The following is an entry in ClinVar:

NM_001371596.2(MFSD8):c.187T>C (p.Tyr63His)

Gene: MFSD8 (major facilitator superfamily domain containing 8; minus strand). Cytogenetic location: 4q28.2.
Variant type: single nucleotide variant.
Coding change: c.187T>C on transcript NM_001371596.2 (MANE Select); coding-DNA position 187, T replaced by C.
Protein change: p.Tyr63His; replaces tyrosine 63 with histidine.
Molecular consequence: missense variant.
Genome position (GRCh38, 1-based): chr4:127,949,815, A>G on the plus strand (T>C on the coding strand, the complement: MFSD8 is on the minus strand). VCF-style: chr4-127949815-A-G. GRCh37 (hg19) VCF-style: chr4-128870970-A-G.
Other names: c.187T>C, p.Tyr63His (NM_001363520.3, NM_001363521.3, NM_001371591.2 and 5 more transcripts); c.52T>C, p.Tyr18His (NM_001371590.2, NM_001371595.1, NM_001410765.1); short protein forms Y18H, Y63H.
Identifiers: ClinVar variation 963839 (VCV000963839.7), dbSNP rs1227280018, ClinGen allele CA358178313.
Genomic context (GRCh38, chr4:127,949,815, plus strand): 5'-GTTACTACTACTGTAGCTATAAGGGAAAAATAGATTGAAATGTACAAACCTTTTGGAGAT[A>G]TGGCCATATGGACATCATCACTACAGAAAACCCTGTGAAGAAGCAAACTAGGTTATTTAT-3'
Protein context (NP_001358525.1, residues 53-73): FSVVMMSIWP[Tyr63His]LQKIDPTADT

ClinVar aggregate classification (germline): Uncertain significance. Review status: criteria provided, multiple submitters, no conflicts (2 of 4 stars). 3 submissions from 3 submitters: Uncertain significance (2). 1 of the submissions does not count toward it. Last evaluated 2021-08-30.

Conditions:
Neuronal ceroid lipofuscinosis 7 (CLN7). Also called: MFSD8-Related Neuronal Ceroid-Lipofuscinosis. Identifiers: Orphanet 168491, Orphanet 228366, MedGen C1838571, MONDO:0012588, OMIM 610951.
Macular dystrophy with central cone involvement (CCMD). Identifiers: MedGen C4015371, MONDO:0014515, OMIM 616170.
Late-infantile neuronal ceroid lipofuscinosis. Also called: Jansky-Bielschowsky disease. Identifiers: MedGen C0022340, MONDO:0015674.

Allele frequency attached by ClinVar (database versions not stated): TOPMed below 0.00001; gnomAD 0.00001; gnomAD exomes 0.00001 and 0.00002.
gnomAD v4.1: 14 of 1,612,000 alleles (0.00087%); highest among the groups gnomAD compares: Admixed American, 0.0017%; no homozygotes.

Submissions (3):

Labcorp Genetics (formerly Invitae), Labcorp
Classification: Uncertain significance for Neuronal ceroid lipofuscinosis 7. Last evaluated: 2021-08-30. Review status: criteria provided, single submitter. Criteria: Invitae Variant Classification Sherloc (09022015). Collection method: clinical testing. Allele origin: germline.
Comment: This sequence change replaces tyrosine with histidine at codon 63 of the MFSD8 protein (p.Tyr63His). The tyrosine residue is highly conserved and there is a moderate physicochemical difference between tyrosine and histidine. This variant is not present in population databases (ExAC no frequency). This variant has not been reported in the literature in individuals affected with MFSD8-related conditions. Algorithms developed to predict the effect of missense changes on protein structure and function are either unavailable or do not agree on the potential impact of this missense change (SIFT: "Deleterious"; PolyPhen-2: "Probably Damaging"; Align-GVGD: "Class C0"). In summary, the available evidence is currently insufficient to determine the role of this variant in disease. Therefore, it has been classified as a Variant of Uncertain Significance.

Department of Pathology and Laboratory Medicine, Sinai Health System
Classification: Uncertain significance for Neuronal ceroid lipofuscinosis 7; Macular dystrophy with central cone involvement. Last evaluated: 2021-07-30. Review status: criteria provided, single submitter. Criteria: ACMG Guidelines, 2015. Collection method: research. Allele origin: germline.

Natera, Inc.
Classification: Uncertain significance for Late-infantile neuronal ceroid lipofuscinosis. Last evaluated: 2021-01-25. Review status: no assertion criteria provided. Collection method: clinical testing. Allele origin: germline. Not counted in ClinVar's aggregate classification.